The following is an entry in ClinVar:

ClinVar aggregate classification (germline): Uncertain significance (1 of 4 stars; one submission).

Conditions:
Focal segmental glomerulosclerosis 5 (FSGS5). Identifiers: Orphanet 656, MedGen C2750475, MONDO:0013191, OMIM 613237.
Charcot-Marie-Tooth disease dominant intermediate E. Also called: CHARCOT-MARIE-TOOTH NEUROPATHY WITH FOCAL SEGMENTAL GLOMERULONEPHRITIS. Identifiers: Orphanet 93114, MedGen C4302667, MONDO:0013758, OMIM 614455.

Allele frequency attached by ClinVar (database versions not stated): gnomAD 0.00001; TOPMed 0.00001.
gnomAD v4.1: 27 of 1,613,538 alleles (0.0017%); highest among the groups gnomAD compares: Non-Finnish European, 0.0022%; no homozygotes.

Submission:

Labcorp Genetics (formerly Invitae), Labcorp
Classification: Uncertain significance for Charcot-Marie-Tooth disease dominant intermediate E; Focal segmental glomerulosclerosis 5. Last evaluated: 2025-08-31. Review status: criteria provided, single submitter. Criteria: Invitae Variant Classification Sherloc (09022015). Collection method: clinical testing. Allele origin: germline.
Comment: This sequence change replaces aspartic acid, which is acidic and polar, with asparagine, which is neutral and polar, at codon 1239 of the INF2 protein (p.Asp1239Asn). This variant is present in population databases (no rsID available, gnomAD 0.0009%). This variant has not been reported in the literature in individuals affected with INF2-related conditions. ClinVar contains an entry for this variant (Variation ID: 2948098). Invitae Evidence Modeling of protein sequence and biophysical properties (such as structural, functional, and spatial information, amino acid conservation, physicochemical variation, residue mobility, and thermodynamic stability) indicates that this missense variant is not expected to disrupt INF2 protein function with a negative predictive value of 95%. In summary, the available evidence is currently insufficient to determine the role of this variant in disease. Therefore, it has been classified as a Variant of Uncertain Significance.

NM_022489.4(INF2):c.3715G>A (p.Asp1239Asn)

Gene: INF2 (inverted formin 2; plus strand). Cytogenetic location: 14q32.33.
Variant type: single nucleotide variant.
Coding change: c.3715G>A on transcript NM_022489.4 (MANE Select); coding-DNA position 3715, G replaced by A.
Protein change: p.Asp1239Asn; replaces aspartic acid 1239 with asparagine.
Molecular consequence: missense variant. On other transcripts: intron variant (1).
Genome position (GRCh38, 1-based): chr14:104,715,304, G>A. VCF-style: chr14-104715304-G-A. GRCh37 (hg19) VCF-style: chr14-105181641-G-A.
Other names: c.3715G>A, p.Asp1239Asn (NM_001426863.1, NM_001426864.1); c.3694+448G>A (NM_001031714.4); short protein forms D1239N.
Identifiers: ClinVar variation 2948098 (VCV002948098.3), dbSNP rs1177010650, ClinGen allele CA391226215.